The following is an entry in ClinVar:

NM_001029896.2(WDR45):c.405GTTTGA[1] (p.Glu137_Phe138del)

Gene: WDR45 (WD repeat domain 45; minus strand). Cytogenetic location: Xp11.23.
Variant type: Microsatellite.
Coding change: c.405GTTTGA[1] on transcript NM_001029896.2 (MANE Select); one copy of the 6-base unit GTTTGA starting at c.405; the reference has two copies in a row; one copy, 6 bases deleted.
Protein change: p.Glu137_Phe138del.
Molecular consequence: inframe deletion.
Genome position (GRCh38, 1-based): chrX:49,076,450-49,076,455, TCAAAC deleted on the plus strand (GTTTGA on the coding strand, the reverse complement: WDR45 is on the minus strand); deleting any 6 consecutive bases within chrX:49,076,450-49,076,461 gives the same sequence; the position shown is the placement nearest the transcript's 3' end. VCF-style (leftmost placement, unchanged base first): chrX-49076449-ATCAAAC-A. GRCh37 (hg19) VCF-style: chrX-48934108-ATCAAAC-A.
Other names: NM_001029896.2(WDR45):c.405GTTTGA[1]; p.Glu137_Phe138del; c.414_419delGTTTGA (NM_007075.3); c.408GTTTGA[1], p.Glu138_Phe139del (NM_007075.4); c.414_419del (NM_007075.3).
Identifiers: ClinVar variation 571126 (VCV000571126.7), dbSNP rs1569523502, ClinGen allele CA891843834.
Genomic context (GRCh38, chrX:49,076,449, plus strand): 5'-CTGTTTCATGCCCTTACACCTGTGTATCTGAGCCCTCTCACCCTTGGGGTTGTCCCGGGT[ATCAAAC>A]TCAAACAGCTTTCGGGGATTGTCGGGGAAGGAGTACACATAGATGCGGTTCTTCAGCACG-3'

ClinVar aggregate classification (germline): Likely pathogenic. Review status: criteria provided, multiple submitters, no conflicts (2 of 4 stars). 4 submissions from 4 submitters: Likely pathogenic (4). Last evaluated 2024-05-17.

Conditions:
Neurodegeneration with brain iron accumulation 5 (NBIA5). Also called: STATIC ENCEPHALOPATHY OF CHILDHOOD WITH NEURODEGENERATION IN ADULTHOOD; Beta-propeller protein-associated neurodegeneration. Identifiers: Orphanet 329284, MedGen C3550973, MONDO:0010476, OMIM 300894.
WDR45-related disorder. Also called: WDR45-related condition.

Submissions (4):

Broad Center for Mendelian Genomics, Broad Institute of MIT and Harvard
Classification: Likely pathogenic for Neurodegeneration with brain iron accumulation 5. Last evaluated: 2024-05-17. Review status: criteria provided, single submitter. Criteria: ACMG Guidelines, 2015. Collection method: curation. Allele origin: germline. Inheritance: Autosomal dominant inheritance.
Comment: Trio exome analysis showed this variant to be de novo. The variant has also been reported in one individual with intellectual developmental disorder (PMID: 25744623), but was absent from large population studies. It was found to be de novo in this 1 individual with confirmed paternity and maternity (PMID: 25744623). This variant has been reported in ClinVar (Variation ID: 571126) and has been interpreted as likely pathogenic by Invitae and GeneDx. The number of reported affected individuals with this variant is slightly greater than expected compared to non-affected individuals with this variant. This variant is a deletion of 5 bases at position 414 and is not predicted to alter the protein reading-frame. It is unclear if this deletion will impact the protein. In summary, although additional studies are required to fully establish its clinical significance, this variant is likely pathogenic for X-linked dominant neurodegeneration with brain iron accumulation 5. ACMG/AMP Criteria applied: PS2_Moderate, PS4_Supporting, PM2_Supporting, PM4 (Richards 2015).

Blueprint Genetics
Classification: Likely pathogenic for WDR45-related disorders. Last evaluated: 2023-04-28. Review status: criteria provided, single submitter. Criteria: ACMG Guidelines, 2015. Collection method: clinical testing. Allele origin: germline. Affected: yes. Observed: 1 variant allele.

GeneDx
Classification: Likely pathogenic. Last evaluated: 2023-03-31. Review status: criteria provided, single submitter. Criteria: GeneDx Variant Classification Process June 2021. Collection method: clinical testing. Allele origin: germline. Affected: yes.
Comment: In-frame deletion of 2 amino acids in a non-repeat region; Not observed at significant frequency in large population cohorts (gnomAD); In silico analysis supports that this variant does not alter protein structure/function; This variant is associated with the following publications: (PMID: 25744623, 32969205, 34740920)

Labcorp Genetics (formerly Invitae), Labcorp
Classification: Likely pathogenic for Neurodegeneration with brain iron accumulation 5. Last evaluated: 2021-08-12. Review status: criteria provided, single submitter. Criteria: Invitae Variant Classification Sherloc (09022015). Collection method: clinical testing. Allele origin: germline.